The following is an entry in ClinVar:

ClinVar aggregate classification (germline): Uncertain significance (1 of 4 stars; one submission).

Submission:

Labcorp Genetics (formerly Invitae), Labcorp
Classification: Uncertain significance. Last evaluated: 2025-05-30. Review status: criteria provided, single submitter. Criteria: Invitae Variant Classification Sherloc (09022015). Collection method: clinical testing. Allele origin: germline.
Comment: This variant, c.1540_1548del, results in the deletion of 3 amino acid(s) of the CDK13 protein (p.Asp514_Lys516del), but otherwise preserves the integrity of the reading frame. This variant is present in population databases (rs761846129, gnomAD 0.03%). This variant has not been reported in the literature in individuals affected with CDK13-related conditions. ClinVar contains an entry for this variant (Variation ID: 3631086). Experimental studies and prediction algorithms are not available or were not evaluated, and the functional significance of this variant is currently unknown. In summary, the available evidence is currently insufficient to determine the role of this variant in disease. Therefore, it has been classified as a Variant of Uncertain Significance.

NM_003718.5(CDK13):c.1540_1548del (p.Asp514_Lys516del)

Gene: CDK13 (cyclin dependent kinase 13; plus strand). Cytogenetic location: 7p14.1.
Variant type: Deletion.
Coding change: c.1540_1548del on transcript NM_003718.5 (MANE Select); coding-DNA positions 1540 to 1548, 9 bases deleted (GATGTGAAG; older notation c.1540_1548delGATGTGAAG).
Protein change: p.Asp514_Lys516del.
Molecular consequence: inframe indel (on NM_031267.4).
Genome position (GRCh38, 1-based): chr7:39,987,927-39,987,935, GATGTGAAG deleted; deleting any 9 consecutive bases within chr7:39,987,919-39,987,935 gives the same sequence; the c. name uses the placement nearest the transcript's 3' end. VCF-style (leftmost placement, unchanged base first): chr7-39987918-CATGTGAAGG-C. GRCh37 (hg19) VCF-style: chr7-40027517-CATGTGAAGG-C.
Other names: c.1540_1548delGATGTGAAG, p.Asp514_Lys516del (NM_031267.4).
Identifiers: ClinVar variation 3631086 (VCV003631086.2).